The following is an entry in ClinVar:

NM_000051.4(ATM):c.4828dup (p.Arg1610fs)

Gene: ATM (ATM serine/threonine kinase; plus strand). Cytogenetic location: 11q22.3.
Variant type: Duplication.
Coding change: c.4828dup on transcript NM_000051.4 (MANE Select); coding-DNA position 4828, one base duplicated (A; older notation c.4828dupA).
Protein change: p.Arg1610fs; shifts the reading frame from arginine 1610.
Molecular consequence: frameshift variant.
Genome position (GRCh38, 1-based): chr11:108,294,978, A duplicated; the last of 2 consecutive A bases (chr11:108,294,977-108,294,978); duplicating either gives the same sequence. VCF-style (leftmost placement, unchanged base first): chr11-108294976-C-CA. GRCh37 (hg19) VCF-style: chr11-108165703-C-CA.
Other names: c.4828dup, p.Arg1610fs (NM_001351834.2); short protein forms R1610fs.
Identifiers: ClinVar variation 4293210 (VCV004293210.1).

ClinVar aggregate classification (germline): Likely pathogenic (1 of 4 stars; one submission).

Conditions:
Ataxia-telangiectasia syndrome (AT). Also called: Ataxia-telangiectasia, complementation group D; LOUIS-BAR SYNDROME; Cerebello-oculocutaneous telangiectasia; Immunodeficiency with ataxia telangiectasia; Ataxia-telangiectasia, complementation group E; Ataxia telangiectasia (A-T). Identifiers: Orphanet 100, MedGen C0004135, MONDO:0008840, OMIM 208900.

Submission:

3billion
Classification: Likely pathogenic for Ataxia-telangiectasia syndrome. Last evaluated: 2024-06-19. Review status: criteria provided, single submitter. Criteria: ACMG Guidelines, 2015. Collection method: clinical testing. Allele origin: germline. Affected: yes.
Comment: The variant is not observed in the gnomAD v4.0.0 dataset. Predicted Consequence/Location: Frameshift: predicted to result in a loss or disruption of normal protein function through nonsense-mediated decay (NMD) or protein truncation. Multiple pathogenic variants are reported downstream of the variant. Therefore, this variant is classified as Likely pathogenic according to the recommendation of ACMG/AMP guideline.